The following is an entry in ClinVar:

NM_153490.3(KRT13):c.291C>T (p.Gly97=)

Gene: KRT13 (keratin 13; minus strand). Cytogenetic location: 17q21.2.
Variant type: single nucleotide variant.
Coding change: c.291C>T on transcript NM_153490.3 (MANE Select); coding-DNA position 291, C replaced by T.
Protein change: p.Gly97=; no amino-acid change (glycine 97 retained).
Molecular consequence: synonymous variant.
Genome position (GRCh38, 1-based): chr17:41,505,260, G>A on the plus strand (C>T on the coding strand, the complement: KRT13 is on the minus strand). VCF-style: chr17-41505260-G-A. GRCh37 (hg19) VCF-style: chr17-39661512-G-A.
Other names: c.291C>T, p.Gly97= (NM_002274.4).
Identifiers: ClinVar variation 891433 (VCV000891433.7), dbSNP rs747752896, ClinGen allele CA8560823.

ClinVar aggregate classification (germline): Likely benign. Review status: criteria provided, multiple submitters, no conflicts (2 of 4 stars). 3 submissions from 3 submitters: Likely benign (2). 1 of the submissions does not count toward it. Last evaluated 2018-01-13.

Conditions:
KRT13-related disorder. Also called: KRT13-related condition.
White sponge nevus 2 (WSN2). Identifiers: MedGen C4014321, MONDO:0014346, OMIM 615785.

Allele frequency attached by ClinVar (database versions not stated): TOPMed 0.00002; gnomAD 0.00003; gnomAD exomes 0.00003; ExAC 0.00002.

Submissions (3):

Illumina Laboratory Services, Illumina
Classification: Likely benign for White sponge nevus 2. Last evaluated: 2018-01-13. Review status: criteria provided, single submitter. Criteria: ICSL Variant Classification Criteria 13 December 2019. Collection method: clinical testing. Allele origin: germline.
Comment: This variant was observed in the ICSL laboratory as part of a predisposition screen in an ostensibly healthy population. It had not been previously curated by ICSL or reported in the Human Gene Mutation Database (HGMD: prior to June 1st, 2018), and was therefore a candidate for classification through an automated scoring system. Utilizing variant allele frequency, disease prevalence and penetrance estimates, and inheritance mode, an automated score was calculated to assess if this variant is too frequent to cause the disease. Based on the score and internal cut-off values, a variant classified as likely benign is not then subjected to further curation. The score for this variant resulted in a classification of likely benign for this disease.

Breakthrough Genomics
Classification: Likely benign. Review status: criteria provided, single submitter. Criteria: ACMG Guidelines, 2015. Collection method: not provided. Allele origin: germline. Inheritance: Autosomal dominant inheritance. Affected: yes.

PreventionGenetics, part of Exact Sciences
Classification: Likely benign for KRT13-related condition. Last evaluated: 2019-06-26. Review status: no assertion criteria provided. Collection method: clinical testing. Allele origin: germline. Not counted in ClinVar's aggregate classification.
Comment: This variant is classified as likely benign based on ACMG/AMP sequence variant interpretation guidelines (Richards et al. 2015 PMID: 25741868, with internal and published modifications).